The following is an entry in ClinVar:

ClinVar aggregate classification (germline): Uncertain significance (1 of 4 stars; one submission).

Conditions:
Candidiasis, familial, 9 (CANDF9). Identifiers: Orphanet 1334, MedGen C4225324, MONDO:0014642, OMIM 616445.

Allele frequency attached by ClinVar (database versions not stated): gnomAD exomes below 0.00001; TOPMed below 0.00001.
gnomAD v4.1: 1 of 1,595,620 alleles (0.000063%); highest among the groups gnomAD compares: Non-Finnish European, 0.000085%; no homozygotes.

Submission:

Labcorp Genetics (formerly Invitae), Labcorp
Classification: Uncertain significance for Candidiasis, familial, 9. Last evaluated: 2023-12-06. Review status: criteria provided, single submitter. Criteria: Invitae Variant Classification Sherloc (09022015). Collection method: clinical testing. Allele origin: germline.
Comment: This sequence change replaces proline, which is neutral and non-polar, with serine, which is neutral and polar, at codon 170 of the IL17RC protein (p.Pro170Ser). This variant is not present in population databases (gnomAD no frequency). This variant has not been reported in the literature in individuals affected with IL17RC-related conditions. An algorithm developed to predict the effect of missense changes on protein structure and function (PolyPhen-2) suggests that this variant is likely to be tolerated. In summary, the available evidence is currently insufficient to determine the role of this variant in disease. Therefore, it has been classified as a Variant of Uncertain Significance.

NM_153460.4(IL17RC):c.295C>T (p.Pro99Ser)

Gene: IL17RC (interleukin 17 receptor C; plus strand). Cytogenetic location: 3p25.3.
Variant type: single nucleotide variant.
Coding change: c.295C>T on transcript NM_153460.4 (MANE Select); coding-DNA position 295, C replaced by T.
Protein change: p.Pro99Ser; replaces proline 99 with serine.
Molecular consequence: missense variant. On other transcripts: non-coding transcript variant (1), intron variant (1).
Genome position (GRCh38, 1-based): chr3:9,918,349, C>T. VCF-style: chr3-9918349-C-T. GRCh37 (hg19) VCF-style: chr3-9960033-C-T.
Other names: c.281-151C>T (NM_001367279.1); c.295C>T, p.Pro99Ser (NM_001203263.2, NM_001203264.2, NM_001203265.2 and 4 more transcripts); c.508C>T, p.Pro170Ser (NM_153461.4); short protein forms P170S, P99S.
Identifiers: ClinVar variation 2697170 (VCV002697170.3), dbSNP rs2083276527, ClinGen allele CA351755561.
Genomic context (GRCh38, chr3:9,918,349, plus strand): 5'-CAGAGCAGGGGGCCTCACCCAGGGCCTTGCTCTTGGGTCCTTCTAGGGCACTGGGAAGAG[C>T]CTGAAGATGAGGAAAAGTTTGGAGGAGCAGCTGACTCAGGGGTGGAGGAGCCTAGGAATG-3'
Protein context (NP_703190.2, residues 89-109): HLAVHGHWEE[Pro99Ser]EDEEKFGGAA